The following is an entry in ClinVar:

ClinVar aggregate classification (germline): Uncertain significance (1 of 4 stars; one submission).

Allele frequency attached by ClinVar (database versions not stated): gnomAD 0.00001.
gnomAD v4.1: 1 of 1,614,038 alleles (0.000062%); highest among the groups gnomAD compares: East Asian, 0.0022%; no homozygotes.

Submission:

Labcorp Genetics (formerly Invitae), Labcorp
Classification: Uncertain significance. Last evaluated: 2022-11-01. Review status: criteria provided, single submitter. Criteria: Invitae Variant Classification Sherloc (09022015). Collection method: clinical testing. Allele origin: germline.
Comment: In summary, the available evidence is currently insufficient to determine the role of this variant in disease. Therefore, it has been classified as a Variant of Uncertain Significance. Advanced modeling of protein sequence and biophysical properties (such as structural, functional, and spatial information, amino acid conservation, physicochemical variation, residue mobility, and thermodynamic stability) performed at Invitae indicates that this missense variant is not expected to disrupt SLC25A19 protein function. This variant has not been reported in the literature in individuals affected with SLC25A19-related conditions. This variant is not present in population databases (gnomAD no frequency). This sequence change replaces glycine, which is neutral and non-polar, with serine, which is neutral and polar, at codon 61 of the SLC25A19 protein (p.Gly61Ser).

NM_001126121.2(SLC25A19):c.181G>A (p.Gly61Ser)

Gene: SLC25A19 (solute carrier family 25 member 19; minus strand). Cytogenetic location: 17q25.1.
Variant type: single nucleotide variant.
Coding change: c.181G>A on transcript NM_001126121.2 (MANE Select); coding-DNA position 181, G replaced by A.
Protein change: p.Gly61Ser; replaces glycine 61 with serine.
Molecular consequence: missense variant.
Genome position (GRCh38, 1-based): chr17:75,286,411, C>T on the plus strand (G>A on the coding strand, the complement: SLC25A19 is on the minus strand). VCF-style: chr17-75286411-C-T. GRCh37 (hg19) VCF-style: chr17-73282492-C-T.
Other names: c.181G>A, p.Gly61Ser (NM_001126122.2, NM_021734.5); short protein forms G61S.
Identifiers: ClinVar variation 2000757 (VCV002000757.4), dbSNP rs2545204651, ClinGen allele CA401005362.